The following is an entry in ClinVar:

NM_182914.3(SYNE2):c.13858G>C (p.Ala4620Pro)

Gene: SYNE2 (spectrin repeat containing nuclear envelope protein 2; plus strand). Cytogenetic location: 14q23.2.
Variant type: single nucleotide variant.
Coding change: c.13858G>C on transcript NM_182914.3 (MANE Select); coding-DNA position 13858, G replaced by C.
Protein change: p.Ala4620Pro; replaces alanine 4620 with proline.
Molecular consequence: missense variant.
Genome position (GRCh38, 1-based): chr14:64,126,748, G>C. VCF-style: chr14-64126748-G-C. GRCh37 (hg19) VCF-style: chr14-64593466-G-C.
Other names: c.13858G>C, p.Ala4620Pro (NM_015180.6); short protein forms A4620P.
Identifiers: ClinVar variation 1448170 (VCV001448170.6), dbSNP rs778607522, ClinGen allele CA389972795.

ClinVar aggregate classification (germline): Uncertain significance (1 of 4 stars; one submission).

Conditions:
Emery-Dreifuss muscular dystrophy 5, autosomal dominant (EDMD5). Also called: EMERY-DREIFUSS MUSCULAR DYSTROPHY 5. Identifiers: Orphanet 261, MedGen C2751805, MONDO:0013072, OMIM 612999.

Submission:

Labcorp Genetics (formerly Invitae), Labcorp
Classification: Uncertain significance for Emery-Dreifuss muscular dystrophy 5, autosomal dominant. Last evaluated: 2021-08-23. Review status: criteria provided, single submitter. Criteria: Invitae Variant Classification Sherloc (09022015). Collection method: clinical testing. Allele origin: germline.
Comment: This variant is not present in population databases (ExAC no frequency). This variant has not been reported in the literature in individuals affected with SYNE2-related conditions. Algorithms developed to predict the effect of missense changes on protein structure and function (SIFT, PolyPhen-2, Align-GVGD) all suggest that this variant is likely to be tolerated. In summary, the available evidence is currently insufficient to determine the role of this variant in disease. Therefore, it has been classified as a Variant of Uncertain Significance. This sequence change replaces alanine with proline at codon 4620 of the SYNE2 protein (p.Ala4620Pro). The alanine residue is moderately conserved and there is a small physicochemical difference between alanine and proline.